The following is an entry in ClinVar:

NM_000388.4(CASR):c.1181T>A (p.Leu394His)

Gene: CASR (calcium sensing receptor; plus strand). Cytogenetic location: 3q21.1.
Variant type: single nucleotide variant.
Coding change: c.1181T>A on transcript NM_000388.4 (MANE Select); coding-DNA position 1181, T replaced by A.
Protein change: p.Leu394His; replaces leucine 394 with histidine.
Molecular consequence: missense variant.
Genome position (GRCh38, 1-based): chr3:122,262,216, T>A. VCF-style: chr3-122262216-T-A. GRCh37 (hg19) VCF-style: chr3-121981063-T-A.
Other names: c.1181T>A, p.Leu394His (NM_001178065.2); short protein forms L394H.
Identifiers: ClinVar variation 1429233 (VCV001429233.6), dbSNP rs2107633055, ClinGen allele CA354152765.

ClinVar aggregate classification (germline): Uncertain significance (1 of 4 stars; one submission).

Conditions:
Familial hypocalciuric hypercalcemia (FHH). Also called: Familial benign hypercalcemia. Identifiers: Orphanet 405, MedGen C1809471, MONDO:0018458.
Autosomal dominant hypocalcemia 1 (HYPOC1). Also called: HYPOCALCEMIA, FAMILIAL. Identifiers: MedGen C3715128, MONDO:0011013, OMIM 601198.

Allele frequency attached by ClinVar (database versions not stated): gnomAD exomes 0.00001.
gnomAD v4.1: 11 of 1,614,170 alleles (0.00068%); highest among the groups gnomAD compares: Admixed American, 0.0017%; no homozygotes.

Submission:

Labcorp Genetics (formerly Invitae), Labcorp
Classification: Uncertain significance for Familial hypocalciuric hypercalcemia; Autosomal dominant hypocalcemia 1. Last evaluated: 2021-12-15. Review status: criteria provided, single submitter. Criteria: Invitae Variant Classification Sherloc (09022015). Collection method: clinical testing. Allele origin: germline.
Comment: In summary, the available evidence is currently insufficient to determine the role of this variant in disease. Therefore, it has been classified as a Variant of Uncertain Significance. Algorithms developed to predict the effect of missense changes on protein structure and function are either unavailable or do not agree on the potential impact of this missense change (SIFT: "Deleterious"; PolyPhen-2: "Possibly Damaging"; Align-GVGD: "Class C0"). This variant has not been reported in the literature in individuals affected with CASR-related conditions. This variant is not present in population databases (gnomAD no frequency). This sequence change replaces leucine, which is neutral and non-polar, with histidine, which is basic and polar, at codon 394 of the CASR protein (p.Leu394His).